The following is an entry in ClinVar:

NM_001999.4(FBN2):c.5073A>G (p.Glu1691=)

Gene: FBN2 (fibrillin 2; minus strand). Cytogenetic location: 5q23.3.
Variant type: single nucleotide variant.
Coding change: c.5073A>G on transcript NM_001999.4 (MANE Select); coding-DNA position 5073, A replaced by G.
Protein change: p.Glu1691=; no amino-acid change (glutamic acid 1691 retained).
Molecular consequence: synonymous variant.
Genome position (GRCh38, 1-based): chr5:128,311,301, T>C on the plus strand (A>G on the coding strand, the complement: FBN2 is on the minus strand). VCF-style: chr5-128311301-T-C. GRCh37 (hg19) VCF-style: chr5-127646993-T-C.
Identifiers: ClinVar variation 2007058 (VCV002007058.4), dbSNP rs2479740172, ClinGen allele CA446307332.

ClinVar aggregate classification (germline): Uncertain significance (1 of 4 stars; one submission).

Conditions:
Congenital contractural arachnodactyly (CCA). Also called: Beals-Hecht syndrome; BEALS SYNDROME; Arthrogryposis, distal, type 9. Identifiers: Orphanet 115, MedGen C0220668, MONDO:0007363, OMIM 121050.

Submission:

Labcorp Genetics (formerly Invitae), Labcorp
Classification: Uncertain significance for Congenital contractural arachnodactyly. Last evaluated: 2022-06-16. Review status: criteria provided, single submitter. Criteria: Invitae Variant Classification Sherloc (09022015). Collection method: clinical testing. Allele origin: germline.
Comment: In summary, the available evidence is currently insufficient to determine the role of this variant in disease. Therefore, it has been classified as a Variant of Uncertain Significance. Algorithms developed to predict the effect of sequence changes on RNA splicing suggest that this variant is not likely to affect RNA splicing. This variant has not been reported in the literature in individuals affected with FBN2-related conditions. This variant is not present in population databases (gnomAD no frequency). This sequence change affects codon 1691 of the FBN2 mRNA. It is a 'silent' change, meaning that it does not change the encoded amino acid sequence of the FBN2 protein. It affects a nucleotide within the consensus splice site.